The following is an entry in ClinVar:

ClinVar aggregate classification (germline): Benign/Likely benign. Review status: criteria provided, multiple submitters, no conflicts (2 of 4 stars). 9 submissions from 9 submitters: Benign (5); Likely benign (4). Last evaluated 2026-08-01.

Allele frequency attached by ClinVar (database versions not stated): 1000 Genomes Project 0.00359; ESP Exome Variant Server 0.00374; 1000 Genomes Project 30x 0.00406; gnomAD exomes 0.00629 and 0.00844; gnomAD 0.00650; TOPMed 0.00664; ExAC 0.00973.

Submissions (9):

CeGaT Center for Human Genetics Tuebingen
Classification: Likely benign. Last evaluated: 2026-08-01. Review status: criteria provided, single submitter. Criteria: CeGaT Center For Human Genetics Tuebingen Variant Classification Criteria Version 2. Collection method: clinical testing. Allele origin: germline. Affected: yes. Observed: 15 variant alleles.
Comment: PDZD7: BP4, BP7, BS2

Labcorp Genetics (formerly Invitae), Labcorp
Classification: Benign. Last evaluated: 2026-01-29. Review status: criteria provided, single submitter. Criteria: Invitae Variant Classification Sherloc (09022015). Collection method: clinical testing. Allele origin: germline.

Blueprint Genetics
Classification: Likely benign. Last evaluated: 2024-11-27. Review status: criteria provided, single submitter. Criteria: ACMG Guidelines, 2015. Collection method: clinical testing. Allele origin: germline.

ARUP Laboratories, Molecular Genetics and Genomics, ARUP Laboratories
Classification: Benign. Last evaluated: 2023-10-06. Review status: criteria provided, single submitter. Criteria: ARUP Molecular Germline Variant Investigation Process 2024. Collection method: clinical testing. Allele origin: germline.

GeneDx
Classification: Likely benign. Last evaluated: 2020-12-18. Review status: criteria provided, single submitter. Criteria: GeneDx Variant Classification Process June 2021. Collection method: clinical testing. Allele origin: germline. Affected: yes.

Eurofins Ntd Llc (ga)
Classification: Benign. Last evaluated: 2014-12-09. Review status: criteria provided, single submitter. Criteria: EGL Classification Definitions 2015. Collection method: clinical testing. Allele origin: germline. Observed: 1 variant allele, 1 heterozygote.

Laboratory for Molecular Medicine, Mass General Brigham Personalized Medicine
Classification: Benign. Last evaluated: 2012-04-30. Review status: criteria provided, single submitter. Criteria: LMM Criteria. Collection method: clinical testing. Allele origin: germline. Observed: 6 variant alleles.
Comment: Pro336Pro in Exon 08 of PDZD7: This variant is not expected to have clinical sig nificance because it does not alter an amino acid residue, is not located within the splice consensus sequence, and has been identified in 0.5% (35/6694) of Eur opean American chromosomes from a broad population by the NHLBI Exome Sequencing Project (dbSNP rs144469613).

Breakthrough Genomics
Classification: Likely benign. Review status: criteria provided, single submitter. Criteria: ACMG Guidelines, 2015. Collection method: not provided. Allele origin: germline. Inheritance: Autosomal recessive inheritance. Affected: yes.

PreventionGenetics, part of Exact Sciences
Classification: Benign. Review status: criteria provided, single submitter. Criteria: ACMG Guidelines, 2015. Collection method: clinical testing. Allele origin: germline.

NM_001195263.2(PDZD7):c.1008C>T (p.Pro336=)

Gene: PDZD7 (PDZ domain containing 7; minus strand). Cytogenetic location: 10q24.31.
Variant type: single nucleotide variant.
Coding change: c.1008C>T on transcript NM_001195263.2 (MANE Select); coding-DNA position 1008, C replaced by T.
Protein change: p.Pro336=; no amino-acid change (proline 336 retained).
Molecular consequence: synonymous variant.
Genome position (GRCh38, 1-based): chr10:101,019,138, G>A on the plus strand (C>T on the coding strand, the complement: PDZD7 is on the minus strand). VCF-style: chr10-101019138-G-A. GRCh37 (hg19) VCF-style: chr10-102778895-G-A.
Other names: c.1008C>T, p.Pro336= (NM_001351044.2, NM_024895.5).
Identifiers: ClinVar variation 178525 (VCV000178525.63), dbSNP rs144469613, ClinGen allele CA182491.
Genomic context (GRCh38, chr10:101,019,138, plus strand): 5'-GGGCTCCTCCTGCCCGAGGCAGATGTCCATGCGGTCCGACGGCAGGGAGCCCGAGCTGTA[G>A]GGGGCGCTGGAGGCGCACGAAGAGACGCTGGAGCTGCTCTCAGAGGCCGGGGACAGCTGC-3'
Protein context (NP_001182192.1, residues 326-346): SSVSSCASSA[Pro336=]YSSGSLPSDR